The following is an entry in ClinVar:

NM_018718.3(CEP41):c.320C>G (p.Ala107Gly)

Gene: CEP41 (centrosomal protein 41; minus strand). Cytogenetic location: 7q32.2.
Variant type: single nucleotide variant.
Coding change: c.320C>G on transcript NM_018718.3 (MANE Select); coding-DNA position 320, C replaced by G.
Protein change: p.Ala107Gly; replaces alanine 107 with glycine.
Molecular consequence: missense variant. On other transcripts: non-coding transcript variant (1).
Genome position (GRCh38, 1-based): chr7:130,404,666, G>C on the plus strand (C>G on the coding strand, the complement: CEP41 is on the minus strand). VCF-style: chr7-130404666-G-C. GRCh37 (hg19) VCF-style: chr7-130044507-G-C.
Other names: c.320C>G, p.Ala107Gly (NM_001257158.2); c.272C>G, p.Ala91Gly (NM_001257159.2); short protein forms A107G, A91G.
Identifiers: ClinVar variation 235611 (VCV000235611.18), dbSNP rs141025803, ClinGen allele CA4485603.

ClinVar aggregate classification (germline): Conflicting classifications of pathogenicity. Review status: criteria provided, conflicting classifications (1 of 4 stars). 6 submissions from 6 submitters: Uncertain significance (2); Benign (1); Likely benign (2). 1 of the submissions does not count toward it. Last evaluated 2026-01-06.

Conditions:
CEP41-related disorder. Also called: CEP41-related condition.
Familial Autism Spectrum Disorder.
Joubert syndrome 15 (JBTS15). Identifiers: Orphanet 475, MedGen C3280897, MONDO:0013763, OMIM 614464.

Allele frequency attached by ClinVar (database versions not stated): gnomAD 0.00006; TOPMed 0.00015; ESP Exome Variant Server 0.00046; 1000 Genomes Project 30x 0.00047; 1000 Genomes Project 0.00060.
gnomAD v4.1: 674 of 1,612,138 alleles (0.042%); highest among the groups gnomAD compares: South Asian, 0.19%; 2 homozygotes.

Submissions (6):

PreventionGenetics, part of Exact Sciences
Classification: Likely benign for CEP41-related condition. Last evaluated: 2026-01-06. Review status: criteria provided, single submitter. Criteria: ACMG Guidelines, 2015. Collection method: clinical testing. Allele origin: germline.
Comment: This variant is classified as likely benign based on ACMG/AMP sequence variant interpretation guidelines (Richards et al. 2015 PMID: 25741868, with internal and published modifications).

Labcorp Genetics (formerly Invitae), Labcorp
Classification: Benign for Joubert syndrome 15. Last evaluated: 2025-12-21. Review status: criteria provided, single submitter. Criteria: Invitae Variant Classification Sherloc (09022015). Collection method: clinical testing. Allele origin: germline.

Blueprint Genetics
Classification: Likely benign. Last evaluated: 2024-07-25. Review status: criteria provided, single submitter. Criteria: ACMG Guidelines, 2015. Collection method: clinical testing. Allele origin: germline.

Illumina Laboratory Services, Illumina
Classification: Uncertain significance for Joubert syndrome 15. Last evaluated: 2018-01-12. Review status: criteria provided, single submitter. Criteria: ICSL Variant Classification Criteria 13 December 2019. Collection method: clinical testing. Allele origin: germline.

Center for Pediatric Genomic Medicine, Children's Mercy Hospital and Clinics
Classification: Uncertain significance. Last evaluated: 2016-04-29. Review status: criteria provided, single submitter. Criteria: ACMG Guidelines, 2015. Collection method: clinical testing. Allele origin: germline.
ClinVar note: Converted during submission from Uncertain Significance to Uncertain significance.

University of Washington Center for Mendelian Genomics, University of Washington
Classification: Likely benign for Familial Autism Spectrum Disorder. Review status: no assertion criteria provided. Collection method: research. Allele origin: inherited. Affected: yes. Not counted in ClinVar's aggregate classification.

Literature cited by the submitters: PubMed 30664616 (cited by University of Washington Center for Mendelian Genomics, University of Washington).